The following is an entry in ClinVar:

ClinVar aggregate classification (germline): Uncertain significance (1 of 4 stars; one submission).

gnomAD v4.1: 1 of 1,613,942 alleles (0.000062%); highest among the groups gnomAD compares: Admixed American, 0.0017%; no homozygotes.

Submission:

Labcorp Genetics (formerly Invitae), Labcorp
Classification: Uncertain significance. Last evaluated: 2024-06-13. Review status: criteria provided, single submitter. Criteria: Invitae Variant Classification Sherloc (09022015). Collection method: clinical testing. Allele origin: germline.
Comment: This sequence change falls in intron 12 of the COL2A1 gene. It does not directly change the encoded amino acid sequence of the COL2A1 protein. This variant is present in population databases (rs766956840, gnomAD 0.003%). This variant has not been reported in the literature in individuals affected with COL2A1-related conditions. Algorithms developed to predict the effect of sequence changes on RNA splicing suggest that this variant may disrupt the consensus splice site. In summary, the available evidence is currently insufficient to determine the role of this variant in disease. Therefore, it has been classified as a Variant of Uncertain Significance.

NM_001844.5(COL2A1):c.817-11T>A

Gene: COL2A1 (collagen type II alpha 1 chain; minus strand). Cytogenetic location: 12q13.11.
Variant type: single nucleotide variant.
Coding change: c.817-11T>A on transcript NM_001844.5 (MANE Select); 11 bases into the intron before coding-DNA position 817, T replaced by A.
Molecular consequence: intron variant.
Genome position (GRCh38, 1-based): chr12:47,994,058, A>T on the plus strand (T>A on the coding strand, the complement: COL2A1 is on the minus strand). VCF-style: chr12-47994058-A-T. GRCh37 (hg19) VCF-style: chr12-48387841-A-T.
Other names: c.610-11T>A (NM_033150.3).
Identifiers: ClinVar variation 3647878 (VCV003647878.2).